The following is an entry in ClinVar:

ClinVar aggregate classification (germline): Likely benign. Review status: criteria provided, multiple submitters, no conflicts (2 of 4 stars). 2 submissions from 2 submitters: Likely benign (2). Last evaluated 2025-06-06.

Conditions:
Tuberous sclerosis 2 (TSC2). Identifiers: Orphanet 805, MedGen C1860707, MONDO:0013199, OMIM 613254.

Submissions (2):

Myriad Genetics, Inc.
Classification: Likely benign for Tuberous sclerosis 2. Last evaluated: 2025-06-06. Review status: criteria provided, single submitter. Criteria: Myriad Autosomal Dominant, Autosomal Recessive and X-Linked Classification Criteria (2023). Collection method: clinical testing. Allele origin: unknown.
Comment: This variant is considered likely benign. This variant is intronic and is not expected to impact mRNA splicing.

Labcorp Genetics (formerly Invitae), Labcorp
Classification: Likely benign for Tuberous sclerosis 2. Last evaluated: 2022-09-23. Review status: criteria provided, single submitter. Criteria: Invitae Variant Classification Sherloc (09022015). Collection method: clinical testing. Allele origin: germline.

NM_000548.5(TSC2):c.5160+9G>C

Gene: TSC2 (TSC complex subunit 2; plus strand). Cytogenetic location: 16p13.3.
Variant type: single nucleotide variant.
Coding change: c.5160+9G>C on transcript NM_000548.5 (MANE Select); 9 bases into the intron after coding-DNA position 5160, G replaced by C.
Molecular consequence: intron variant.
Genome position (GRCh38, 1-based): chr16:2,088,148, G>C. VCF-style: chr16-2088148-G-C. GRCh37 (hg19) VCF-style: chr16-2138149-G-C.
Other names: c.5091+9G>C (NM_001114382.3); c.5031+9G>C (NM_021055.3, NM_001370405.1); c.4962+9G>C (NM_001363528.2); c.5028+9G>C (NM_001370404.1); c.4959+9G>C (NM_001077183.3); c.4851+9G>C (NM_001318827.2); c.4428+9G>C (NM_001318831.2); c.4815+9G>C (NM_001318829.2); and 1 more.
Identifiers: ClinVar variation 2032064 (VCV002032064.5), dbSNP rs1445593661, ClinGen allele CA2580091156.